The following is an entry in ClinVar:

NM_001130987.2(DYSF):c.4279C>T (p.Arg1427Cys)

Gene: DYSF (dysferlin; plus strand). Cytogenetic location: 2p13.2.
Variant type: single nucleotide variant.
Coding change: c.4279C>T on transcript NM_001130987.2 (MANE Select); coding-DNA position 4279, C replaced by T.
Protein change: p.Arg1427Cys; replaces arginine 1427 with cysteine.
Molecular consequence: missense variant.
Genome position (GRCh38, 1-based): chr2:71,612,698, C>T. VCF-style: chr2-71612698-C-T. GRCh37 (hg19) VCF-style: chr2-71839828-C-T.
Other names: c.4228C>T, p.Arg1410Cys (NM_001130455.2, NM_001130983.2); c.4183C>T, p.Arg1395Cys (NM_001130976.2, NM_001130977.2); c.4225C>T, p.Arg1409Cys (NM_001130978.2, NM_003494.4); c.4318C>T, p.Arg1440Cys (NM_001130979.2); c.4276C>T, p.Arg1426Cys (NM_001130980.2, NM_001130981.2); c.4321C>T, p.Arg1441Cys (NM_001130982.2); c.4186C>T, p.Arg1396Cys (NM_001130984.2, NM_001130986.2); c.4279C>T, p.Arg1427Cys (NM_001130985.2); short protein forms R1409C, R1427C, R1395C, R1396C, R1426C, R1440C, R1410C, R1441C.
Identifiers: ClinVar variation 471303 (VCV000471303.8), dbSNP rs138097846, ClinGen allele CA1706950.

ClinVar aggregate classification (germline): Uncertain significance. Review status: criteria provided, multiple submitters, no conflicts (2 of 4 stars). 3 submissions from 3 submitters: Uncertain significance (2). 1 of the submissions does not count toward it. Last evaluated 2022-09-22.

Conditions:
Neuromuscular disease caused by qualitative or quantitative defects of dysferlin. Also called: Dysferlinopathy; Qualitative or quantitative defects of dysferlin. Identifiers: Orphanet 207073, MedGen C2931687, MONDO:0016145.
Autosomal recessive limb-girdle muscular dystrophy type 2B (LGMDR2). Also called: Limb-girdle muscular dystrophy, type 2B; MUSCULAR DYSTROPHY, LIMB-GIRDLE, TYPE 3; MUSCULAR DYSTROPHY, LIMB-GIRDLE, AUTOSOMAL RECESSIVE 2; Limb-Girdle Muscular Dystrophy Type 2B (LGMD2B). Identifiers: Orphanet 268, MedGen C1850889, MONDO:0009676, OMIM 253601.

Allele frequency attached by ClinVar (database versions not stated): gnomAD 0.00004 and 0.00005; gnomAD exomes 0.00004; ExAC 0.00006; TOPMed 0.00010; ESP Exome Variant Server 0.00023.
gnomAD v4.1: 60 of 1,614,082 alleles (0.0037%); highest among the groups gnomAD compares: Middle Eastern, 0.016%; no homozygotes.

Submissions (3):

Revvity Omics, Revvity
Classification: Uncertain significance. Last evaluated: 2022-09-22. Review status: criteria provided, single submitter. Criteria: ACMG Guidelines, 2015. Collection method: clinical testing. Allele origin: germline.

Labcorp Genetics (formerly Invitae), Labcorp
Classification: Uncertain significance for Neuromuscular disease caused by qualitative or quantitative defects of dysferlin. Last evaluated: 2022-09-01. Review status: criteria provided, single submitter. Criteria: Invitae Variant Classification Sherloc (09022015). Collection method: clinical testing. Allele origin: germline.
Comment: This sequence change replaces arginine, which is basic and polar, with cysteine, which is neutral and slightly polar, at codon 1409 of the DYSF protein (p.Arg1409Cys). This variant is present in population databases (rs138097846, gnomAD 0.02%). This variant has not been reported in the literature in individuals affected with DYSF-related conditions. ClinVar contains an entry for this variant (Variation ID: 471303). Algorithms developed to predict the effect of missense changes on protein structure and function output the following: SIFT: "Deleterious"; PolyPhen-2: "Benign"; Align-GVGD: "Class C0". The cysteine amino acid residue is found in multiple mammalian species, which suggests that this missense change does not adversely affect protein function. In summary, the available evidence is currently insufficient to determine the role of this variant in disease. Therefore, it has been classified as a Variant of Uncertain Significance.

Natera, Inc.
Classification: Uncertain significance for Limb-girdle muscular dystrophy type 2B. Last evaluated: 2019-10-28. Review status: no assertion criteria provided. Collection method: clinical testing. Allele origin: germline. Not counted in ClinVar's aggregate classification.